The following is an entry in ClinVar:

ClinVar aggregate classification (germline): Uncertain significance. Review status: criteria provided, multiple submitters, no conflicts (2 of 4 stars). 2 submissions from 2 submitters: Uncertain significance (2). Last evaluated 2025-09-13.

Conditions:
Hereditary cancer-predisposing syndrome. Also called: Neoplastic Syndromes, Hereditary; Hereditary Cancer Syndrome; Tumor predisposition; Hereditary neoplastic syndrome. Identifiers: Orphanet 140162, MedGen C0027672, MeSH D009386, MONDO:0015356.
Multiple endocrine neoplasia, type 2 (MEN2). Identifiers: Orphanet 653, MedGen C4048306, MONDO:0019003. Disease mechanism: gain of function.

Submissions (2):

Ambry Genetics
Classification: Uncertain significance for Hereditary cancer-predisposing syndrome. Last evaluated: 2025-09-13. Review status: criteria provided, single submitter. Criteria: Ambry Variant Classification Scheme 2023. Collection method: clinical testing. Allele origin: germline.
Comment: The p.V427L variant (also known as c.1279G>T), located in coding exon 7 of the RET gene, results from a G to T substitution at nucleotide position 1279. The valine at codon 427 is replaced by leucine, an amino acid with highly similar properties. This amino acid position is conserved. In addition, this alteration is predicted to be tolerated by in silico analysis. Based on the available evidence, the clinical significance of this variant remains unclear.

Labcorp Genetics (formerly Invitae), Labcorp
Classification: Uncertain significance for Multiple endocrine neoplasia, type 2. Last evaluated: 2024-10-29. Review status: criteria provided, single submitter. Criteria: Invitae Variant Classification Sherloc (09022015). Collection method: clinical testing. Allele origin: germline.
Comment: This sequence change replaces valine, which is neutral and non-polar, with leucine, which is neutral and non-polar, at codon 427 of the RET protein (p.Val427Leu). This variant is not present in population databases (gnomAD no frequency). This variant has not been reported in the literature in individuals affected with RET-related conditions. ClinVar contains an entry for this variant (Variation ID: 1377273). An algorithm developed to predict the effect of missense changes on protein structure and function (PolyPhen-2) suggests that this variant is likely to be tolerated. In summary, the available evidence is currently insufficient to determine the role of this variant in disease. Therefore, it has been classified as a Variant of Uncertain Significance.

NM_020975.6(RET):c.1279G>T (p.Val427Leu)

Gene: RET (ret proto-oncogene; plus strand). Cytogenetic location: 10q11.21.
Variant type: single nucleotide variant.
Coding change: c.1279G>T on transcript NM_020975.6 (MANE Select); coding-DNA position 1279, G replaced by T.
Protein change: p.Val427Leu; replaces valine 427 with leucine.
Molecular consequence: missense variant.
Genome position (GRCh38, 1-based): chr10:43,111,222, G>T. VCF-style: chr10-43111222-G-T. GRCh37 (hg19) VCF-style: chr10-43606670-G-T.
Other names: c.1279G>T, p.Val427Leu (NM_000323.2, NM_001406743.1, NM_001406744.1 and 6 more transcripts); c.517G>T, p.Val173Leu (NM_001355216.2); c.1150G>T, p.Val384Leu (NM_001406761.1, NM_001406762.1, NM_001406764.1 and 1 more transcripts); c.991G>T, p.Val331Leu (NM_001406766.1, NM_001406767.1, NM_001406770.1); c.883G>T, p.Val295Leu (NM_001406769.1, NM_001406772.1); c.841G>T, p.Val281Leu (NM_001406771.1, NM_001406773.1); c.754G>T, p.Val252Leu (NM_001406774.1); c.553G>T, p.Val185Leu (NM_001406775.1, NM_001406776.1, NM_001406777.1 and 1 more transcripts); and 1 more; short protein forms V173L, V427L, V331L, V185L, V384L, V97L, V252L, V281L.
Identifiers: ClinVar variation 1377273 (VCV001377273.8), dbSNP rs1356436038, ClinGen allele CA376548864.